The following is an entry in ClinVar:

NM_001130438.3(SPTAN1):c.2881G>A (p.Ala961Thr)

Gene: SPTAN1 (spectrin alpha, non-erythrocytic 1; plus strand). Cytogenetic location: 9q34.11.
Variant type: single nucleotide variant.
Coding change: c.2881G>A on transcript NM_001130438.3 (MANE Select); coding-DNA position 2881, G replaced by A.
Protein change: p.Ala961Thr; replaces alanine 961 with threonine.
Molecular consequence: missense variant.
Genome position (GRCh38, 1-based): chr9:128,588,818, G>A. VCF-style: chr9-128588818-G-A. GRCh37 (hg19) VCF-style: chr9-131351097-G-A.
Other names: c.2881G>A, p.Ala961Thr (NM_001195532.2, NM_001363759.2, NM_001363765.2 and 5 more transcripts); c.2917G>A, p.Ala973Thr (NM_001375312.2, NM_001375318.1); short protein forms A961T, A973T.
Identifiers: ClinVar variation 1806160 (VCV001806160.1), dbSNP rs2541322486, ClinGen allele CA375059668.

ClinVar aggregate classification (germline): Likely benign (1 of 4 stars; one submission).

Conditions:
Developmental and epileptic encephalopathy, 5 (DEE5). Identifiers: Orphanet 3451, MedGen C3150731, MONDO:0013277, OMIM 613477.

Submission:

Victorian Clinical Genetics Services, Murdoch Childrens Research Institute
Classification: Likely benign for Developmental and epileptic encephalopathy, 5. Last evaluated: 2021-05-06. Review status: criteria provided, single submitter. Criteria: ACMG Guidelines, 2015. Collection method: clinical testing. Allele origin: germline. Inheritance: Autosomal dominant inheritance. Affected: yes.
Comment: Based on the classification scheme VCGS_Germline_v1.3.4, this variant is classified as Likely benign. Following criteria are met: 0104 - Dominant negative is a known mechanism of disease in this gene, is associated with developmental and epileptic encephalopathy 5 (MIM#613477) and is caused by missense variants. Loss of function is also a potential mechanism, however more investigations are required as only a single variant resulting in a premature termination codon has been reported (OMIM, PMID: 20493457, PMID: 30548380). (I) 0107 - This gene is associated with autosomal dominant disease. (I) 0115 - Variants in this gene are known to have variable expressivity (PMID: 32811770). (I) 0200 - Variant is predicted to result in a missense amino acid change from alanine to threonine. (I) 0251 - This variant is heterozygous. (I) 0301 - Variant is absent from gnomAD (both v2 and v3). (SP) 0502 - Missense variant with conflicting in silico predictions and uninformative conservation. (I) 0600 - Variant is located in the annotated spectrin repeat domain (NCBI, PDB). (I) 0705 - No comparable missense variants have previous evidence for pathogenicity. (I) 0807 - This variant has no previous evidence of pathogenicity. (I) 0905 - No published segregation evidence has been identified for this variant. (I) 1007 - No published functional evidence has been identified for this variant. (I) Legend: (SP) - Supporting pathogenic, (I) - Information, (SB) - Supporting benign

Literature cited by the submitters: PubMed 20493457; PubMed 30548380; PubMed 32811770.